The following is an entry in ClinVar:

ClinVar aggregate classification (germline): Uncertain significance (1 of 4 stars; one submission).

Submission:

Labcorp Genetics (formerly Invitae), Labcorp
Classification: Uncertain significance. Last evaluated: 2022-05-28. Review status: criteria provided, single submitter. Criteria: Invitae Variant Classification Sherloc (09022015). Collection method: clinical testing. Allele origin: germline.
Comment: This variant has not been reported in the literature in individuals affected with ERCC6-related conditions. This sequence change replaces glycine, which is neutral and non-polar, with arginine, which is basic and polar, at codon 855 of the ERCC6 protein (p.Gly855Arg). This variant is not present in population databases (gnomAD no frequency). Algorithms developed to predict the effect of missense changes on protein structure and function (SIFT, PolyPhen-2, Align-GVGD) all suggest that this variant is likely to be disruptive. Algorithms developed to predict the effect of sequence changes on RNA splicing suggest that this variant may disrupt the consensus splice site. In summary, the available evidence is currently insufficient to determine the role of this variant in disease. Therefore, it has been classified as a Variant of Uncertain Significance.

NM_000124.4(ERCC6):c.2563G>C (p.Gly855Arg)

Gene: ERCC6 (ERCC excision repair 6, chromatin remodeling factor; minus strand). Cytogenetic location: 10q11.23.
Variant type: single nucleotide variant.
Coding change: c.2563G>C on transcript NM_000124.4 (MANE Select); coding-DNA position 2563, G replaced by C.
Protein change: p.Gly855Arg; replaces glycine 855 with arginine.
Molecular consequence: missense variant.
Genome position (GRCh38, 1-based): chr10:49,474,062, C>G on the plus strand (G>C on the coding strand, the complement: ERCC6 is on the minus strand). VCF-style: chr10-49474062-C-G. GRCh37 (hg19) VCF-style: chr10-50682108-C-G.
Other names: c.2563G>C, p.Gly855Arg (NM_001346440.2); short protein forms G855R.
Identifiers: ClinVar variation 1999915 (VCV001999915.4), dbSNP rs146786861, ClinGen allele CA376721278.